The following is an entry in ClinVar:

ClinVar aggregate classification (germline): Uncertain significance (1 of 4 stars; one submission).

Conditions:
Developmental and epileptic encephalopathy, 54. Also called: HNRNPU-Related Neurodevelopmental Disorder; Epileptic encephalopathy, early infantile, 54. Identifiers: MedGen C4479319, MONDO:0033363, OMIM 617391.

gnomAD v4.1: 1 of 1,581,564 alleles (0.000063%); no homozygotes.

Submission:

Labcorp Genetics (formerly Invitae), Labcorp
Classification: Uncertain significance for Developmental and epileptic encephalopathy, 54. Last evaluated: 2022-02-02. Review status: criteria provided, single submitter. Criteria: Invitae Variant Classification Sherloc (09022015). Collection method: clinical testing. Allele origin: germline.
Comment: In summary, the available evidence is currently insufficient to determine the role of this variant in disease. Therefore, it has been classified as a Variant of Uncertain Significance. This sequence change replaces aspartic acid, which is acidic and polar, with asparagine, which is neutral and polar, at codon 404 of the HNRNPU protein (p.Asp404Asn). This variant is not present in population databases (gnomAD no frequency). This variant has not been reported in the literature in individuals affected with HNRNPU-related conditions. Algorithms developed to predict the effect of missense changes on protein structure and function are either unavailable or do not agree on the potential impact of this missense change (SIFT: "Deleterious"; PolyPhen-2: "Not Available"; Align-GVGD: "Class C15").

NM_031844.3(HNRNPU):c.1210G>A (p.Asp404Asn)

Gene: HNRNPU (heterogeneous nuclear ribonucleoprotein U; minus strand). Cytogenetic location: 1q44.
Variant type: single nucleotide variant.
Coding change: c.1210G>A on transcript NM_031844.3 (MANE Select); coding-DNA position 1210, G replaced by A.
Protein change: p.Asp404Asn; replaces aspartic acid 404 with asparagine.
Molecular consequence: missense variant.
Genome position (GRCh38, 1-based): chr1:244,858,749, C>T on the plus strand (G>A on the coding strand, the complement: HNRNPU is on the minus strand). VCF-style: chr1-244858749-C-T. GRCh37 (hg19) VCF-style: chr1-245022051-C-T.
Other names: c.1153G>A, p.Asp385Asn (NM_004501.3); short protein forms D404N, D385N.
Identifiers: ClinVar variation 1345648 (VCV001345648.8), dbSNP rs2102987111, ClinGen allele CA345492147.
Genomic context (GRCh38, chr1:244,858,749, plus strand): 5'-AACTTTGCCATTTATACATAGAAAGTTAGCTTTAACTTACAGCAAAACATGTAATCACAT[C>T]ATTTTCATCAAACTTTTCTCCATAATCTTCAGTCTCACAGTTGCATGTTTTTATTCCTTT-3'
Protein context (NP_114032.2, residues 394-414): EDYGEKFDEN[Asp404Asn]VITCFANFES